The following is an entry in ClinVar:

ClinVar aggregate classification (germline): Pathogenic (1 of 4 stars; one submission).

Conditions:
Cardiac arrhythmia. Also called: Arrhythmia; Cardiac rhythm disease. Identifiers: MedGen C0003811, MONDO:0007263, HP:0011675.

Submission:

GeneDx
Classification: Pathogenic for Cardiac arrhythmia. Last evaluated: 2014-04-15. Review status: criteria provided, single submitter. Criteria: GeneDx Variant Classification (06012015). Collection method: clinical testing. Allele origin: germline. Affected: yes.
Comment: p.Thr270LysfsX91 (T270KfsX91) : c.809_812delinsAAAAGC in exon 4 of the HERG gene (NM_000238.2). The normal sequence with the bases that are deleted in braces and the bases that are inserted in brackets is: CGGA{CGCG}[AAAAGC]CTCC. Although the c.809_812delinsAAAAGC mutation in the KCNH2 gene has not been reported previously, this mutation causes a shift in reading frame starting at codon Threonine 270, changing it to a Lysine, and creating a premature stop codon at position 91 of the new reading frame. This mutation is expected to result in either an abnormal, truncated protein product or loss of protein from this allele through nonsense-mediated mRNA decay. Other frameshift mutations in the KCNH2 gene have been reported in association with LQTS. Also, c.809_812delinsAAAAGC in the KCNH2 gene has been been seen in other unrelated individuals at GeneDX. The variant is found in HERG panel(s).

NM_000238.4(KCNH2):c.809_812delinsAAAAGC (p.Thr270fs)

Gene: KCNH2 (potassium voltage-gated channel subfamily H member 2; minus strand). Cytogenetic location: 7q36.1.
Variant type: Indel.
Coding change: c.809_812delinsAAAAGC on transcript NM_000238.4 (MANE Select); coding-DNA positions 809 to 812, CGCG replaced by AAAAGC.
Protein change: p.Thr270fs; shifts the reading frame from threonine 270.
Molecular consequence: frameshift variant.
Genome position (GRCh38, 1-based): chr7:150,958,163-150,958,166, CGCG replaced by GCTTTT on the plus strand (CGCG replaced by AAAAGC on the coding strand, the reverse complement: KCNH2 is on the minus strand). VCF-style: chr7-150958163-CGCG-GCTTTT. GRCh37 (hg19) VCF-style: chr7-150655251-CGCG-GCTTTT.
Other names: c.521_524delCGCGinsAAAAGC, p.Thr174Lysfs (NM_001406753.1, NM_001406756.1); c.632_635delCGCGinsAAAAGC, p.Thr211Lysfs (NM_001406755.1); c.509_512delCGCGinsAAAAGC, p.Thr170Lysfs (NM_001406757.1); c.809_812delCGCGinsAAAAGC, p.Thr270Lysfs (NM_172056.3); short protein forms T270fs.
Identifiers: ClinVar variation 200614 (VCV000200614.4), dbSNP rs794728426, ClinGen allele CA008822.
Genomic context (GRCh38, chr7:150,958,163, plus strand): 5'-ATGGCCTCGATGTCGTCGGCCGACGAGGCGCGGCGCACGCTGGCGCAGCTTTCTCGGGAG[CGCG>GCTTTT]TCCGGGCCAGGCTGCAGCTGGAGCCCGAGGCGTCGGGGTTGAGGCTGTGCGCCCGGGGCG-3'